The following is an entry in ClinVar:

NM_007194.4(CHEK2):c.908+1_908+8delinsTT

Gene: CHEK2 (checkpoint kinase 2; minus strand). Cytogenetic location: 22q12.1.
Variant type: Indel.
Coding change: c.908+1_908+8delinsTT on transcript NM_007194.4 (MANE Select); the canonical splice donor site of the intron after coding-DNA position 908 through 8 bases into the intron after coding-DNA position 908, GTAAGTAG replaced by TT.
Molecular consequence: splice donor variant.
Genome position (GRCh38, 1-based): chr22:28,703,497-28,703,504, CTACTTAC replaced by AA on the plus strand (GTAAGTAG replaced by TT on the coding strand, the reverse complement: CHEK2 is on the minus strand). VCF-style: chr22-28703497-CTACTTAC-AA. GRCh37 (hg19) VCF-style: chr22-29099485-CTACTTAC-AA.
Other names: c.245+1_245+8delinsTT (NM_001437942.1, NM_001257387.3); c.707+1_707+8delinsTT (NM_001349956.3); c.908+1_908+8delinsTT (NM_145862.3); c.1001+1_1001+8delinsTT (NM_001438295.1, NM_001438293.1); c.1037+1_1037+8delinsTT (NM_001438294.1, NM_001005735.3); c.908+1_908+8delGTAAGTAGinsTT (NM_007194.3).
Identifiers: ClinVar variation 565425 (VCV000565425.9), dbSNP rs1569127917, ClinGen allele CA891844296.

ClinVar aggregate classification (germline): Pathogenic/Likely pathogenic. Review status: criteria provided, multiple submitters, no conflicts (2 of 4 stars). 2 submissions from 2 submitters: Pathogenic (1); Likely pathogenic (1). Last evaluated 2025-11-10.

Conditions:
Hereditary cancer-predisposing syndrome. Also called: Hereditary neoplastic syndrome; Neoplastic Syndromes, Hereditary; Tumor predisposition; Hereditary Cancer Syndrome. Identifiers: Orphanet 140162, MedGen C0027672, MeSH D009386, MONDO:0015356.
Familial cancer of breast. Also called: hereditary breast carcinoma; Hereditary breast cancer; BREAST CANCER, FAMILIAL. Identifiers: Orphanet 227535, MedGen C0346153, MONDO:0016419, OMIM 114480. Disease mechanism: loss of function.

Submissions (2):

Labcorp Genetics (formerly Invitae), Labcorp
Classification: Pathogenic for Familial cancer of breast. Last evaluated: 2025-11-10. Review status: criteria provided, single submitter. Criteria: Invitae Variant Classification Sherloc (09022015). Collection method: clinical testing. Allele origin: germline.
Comment: This sequence change affects a donor splice site in intron 8 of the CHEK2 gene. RNA analysis indicates that disruption of this splice site induces altered splicing and may result in an absent or altered protein product. This variant is not present in population databases (gnomAD no frequency). This variant has not been reported in the literature in individuals affected with CHEK2-related conditions. ClinVar contains an entry for this variant (Variation ID: 234715). Studies have shown that disruption of this splice site results in skipping of exon 8, and produces a non-functional protein and/or introduces a premature termination codon (internal data). For these reasons, this variant has been classified as Pathogenic.

Ambry Genetics
Classification: Likely pathogenic for Hereditary cancer-predisposing syndrome. Last evaluated: 2024-11-08. Review status: criteria provided, single submitter. Criteria: Ambry Variant Classification Scheme 2023. Collection method: clinical testing. Allele origin: germline.
Comment: The c.908+1_908+8delGTAAGTAGinsTT intronic variant, located in intron 7 of the CHEK2 gene, results from a deletion of 8 nucleotides and the insertion of two nucleotides at positions c.908+1 to c.908+8 after coding exon 7. The canonical donor site is highly conserved in available vertebrate species. In silico splice site analysis predicts that this alteration will weaken or abolish the native splice donor site, however direct evidence is insufficient at this time (Ambry internal data). Alterations that disrupt the canonical splice site are expected to cause aberrant splicing, resulting in an abnormal protein or a transcript that is subject to nonsense-mediated mRNA decay. As such, this alteration is classified as likely pathogenic.